The following is an entry in ClinVar:

ClinVar aggregate classification (germline): Uncertain significance. Review status: criteria provided, multiple submitters, no conflicts (2 of 4 stars). 3 submissions from 3 submitters: Uncertain significance (3). Last evaluated 2025-05-25.

Conditions:
Inborn genetic diseases. Identifiers: MedGen C0950123, MeSH D030342.
Joubert syndrome. Also called: Familial aplasia of the vermis; JOUBERT-BOLTSHAUSER SYNDROME. Identifiers: Orphanet 475, MedGen C5979921, MONDO:0018772.
Meckel-Gruber syndrome. Also called: DYSENCEPHALIA SPLANCHNOCYSTICA; GRUBER SYNDROME; Dysencephalia splachnocystica. Identifiers: Orphanet 564, MedGen C0265215, MONDO:0018921.

Allele frequency attached by ClinVar (database versions not stated): gnomAD exomes 0.00002 and 0.00003; ExAC 0.00005; gnomAD 0.00013; TOPMed 0.00014; 1000 Genomes Project 30x 0.00016; ESP Exome Variant Server 0.00017; 1000 Genomes Project 0.00020.
gnomAD v4.1: 44 of 1,614,148 alleles (0.0027%); highest among the groups gnomAD compares: African/African-American, 0.053%; no homozygotes.

Submissions (3):

Ambry Genetics
Classification: Uncertain significance for Inborn genetic diseases. Last evaluated: 2025-05-25. Review status: criteria provided, single submitter. Criteria: Ambry Variant Classification Scheme 2023. Collection method: clinical testing. Allele origin: germline.

Blueprint Genetics
Classification: Uncertain significance. Last evaluated: 2022-10-24. Review status: criteria provided, single submitter. Criteria: ACMG Guidelines, 2015. Collection method: clinical testing. Allele origin: germline.

Labcorp Genetics (formerly Invitae), Labcorp
Classification: Uncertain significance for Joubert syndrome; Meckel-Gruber syndrome. Last evaluated: 2022-09-06. Review status: criteria provided, single submitter. Criteria: Invitae Variant Classification Sherloc (09022015). Collection method: clinical testing. Allele origin: germline.
Comment: This sequence change replaces alanine, which is neutral and non-polar, with threonine, which is neutral and polar, at codon 511 of the TCTN1 protein (p.Ala511Thr). This variant is present in population databases (rs369125553, gnomAD 0.05%). This variant has not been reported in the literature in individuals affected with TCTN1-related conditions. ClinVar contains an entry for this variant (Variation ID: 1020393). Algorithms developed to predict the effect of missense changes on protein structure and function output the following: SIFT: "Deleterious"; PolyPhen-2: "Probably Damaging"; Align-GVGD: "Class C0". The threonine amino acid residue is found in multiple mammalian species, which suggests that this missense change does not adversely affect protein function. In summary, the available evidence is currently insufficient to determine the role of this variant in disease. Therefore, it has been classified as a Variant of Uncertain Significance.

NM_001082538.3(TCTN1):c.1531G>A (p.Ala511Thr)

Gene: TCTN1 (tectonic family member 1; plus strand). Cytogenetic location: 12q24.11.
Variant type: single nucleotide variant.
Coding change: c.1531G>A on transcript NM_001082538.3 (MANE Select); coding-DNA position 1531, G replaced by A.
Protein change: p.Ala511Thr; replaces alanine 511 with threonine.
Molecular consequence: missense variant. On other transcripts: non-coding transcript variant (1).
Genome position (GRCh38, 1-based): chr12:110,647,232, G>A. VCF-style: chr12-110647232-G-A. GRCh37 (hg19) VCF-style: chr12-111085037-G-A.
Other names: c.1531G>A (NM_001082538.2); c.1516G>A, p.Ala506Thr (NM_001082537.3); c.1348G>A, p.Ala450Thr (NM_001173975.3); c.1204G>A, p.Ala402Thr (NM_001173976.2); c.1369G>A, p.Ala457Thr (NM_001319680.2); c.982G>A, p.Ala328Thr (NM_001319681.2); c.1474G>A, p.Ala492Thr (NM_024549.6); short protein forms A328T, A402T, A450T, A457T, A492T, A506T, A511T.
Identifiers: ClinVar variation 1020393 (VCV001020393.6), dbSNP rs369125553, ClinGen allele CA6786918.